The following is an entry in ClinVar:

NM_170682.4(P2RX2):c.1310G>A (p.Arg437Gln)

Gene: P2RX2 (purinergic receptor P2X 2; plus strand). Cytogenetic location: 12q24.33.
Variant type: single nucleotide variant.
Coding change: c.1310G>A on transcript NM_170682.4 (MANE Select); coding-DNA position 1310, G replaced by A.
Protein change: p.Arg437Gln; replaces arginine 437 with glutamine.
Molecular consequence: missense variant. On other transcripts: 3 prime UTR variant (1), intron variant (2).
Genome position (GRCh38, 1-based): chr12:132,621,866, G>A. VCF-style: chr12-132621866-G-A. GRCh37 (hg19) VCF-style: chr12-133198452-G-A.
Other names: c.1388G>A (NM_170683.3); c.*357G>A (NM_001282165.2); c.1094G>A, p.Arg365Gln (NM_012226.5); c.1238G>A, p.Arg413Gln (NM_016318.4); c.1388G>A, p.Arg463Gln (NM_170683.4); c.1034G>A, p.Arg345Gln (NM_174872.3); c.1141-32G>A (NM_174873.3); c.1039-32G>A (NM_001282164.2); short protein forms R365Q, R463Q, R345Q, R413Q, R437Q.
Identifiers: ClinVar variation 227830 (VCV000227830.10), dbSNP rs115260724, ClinGen allele CA6891893.
Genomic context (GRCh38, chr12:132,621,866, plus strand): 5'-CTCCATCAGGCCAGGAGGGCCAACAAGGGGCAGAGTGTGGCCCAGCCTTCCCGCCCCTGC[G>A]GCCTTGCCCCATCTCTGCCCCTTCTGAGCAGATGGTGGACACTCCTGCCTCCGAGCCTGC-3'
Protein context (NP_733782.1, residues 427-447): AECGPAFPPL[Arg437Gln]PCPISAPSEQ

ClinVar aggregate classification (germline): Conflicting classifications of pathogenicity. Review status: criteria provided, conflicting classifications (1 of 4 stars). 4 submissions from 4 submitters: Uncertain significance (1); Likely benign (2). 1 of the submissions does not count toward it. Last evaluated 2025-01-21.

Conditions:
P2RX2-related disorder. Also called: P2RX2-related condition.

Allele frequency attached by ClinVar (database versions not stated): ExAC 0.00005; gnomAD 0.00005 and 0.00006; gnomAD exomes 0.00006; TOPMed 0.00008.

Submissions (4):

Ambry Genetics
Classification: Uncertain significance. Last evaluated: 2025-01-21. Review status: criteria provided, single submitter. Criteria: Ambry Variant Classification Scheme 2023. Collection method: clinical testing. Allele origin: germline.

Blueprint Genetics
Classification: Likely benign. Last evaluated: 2024-04-26. Review status: criteria provided, single submitter. Criteria: ACMG Guidelines, 2015. Collection method: clinical testing. Allele origin: germline.

Laboratory for Molecular Medicine, Mass General Brigham Personalized Medicine
Classification: Likely benign. Last evaluated: 2015-06-19. Review status: criteria provided, single submitter. Criteria: LMM Criteria. Collection method: clinical testing. Allele origin: germline. Observed: 1 variant allele.
Comment: p.Arg463Gln in exon 10 of P2RX2: This variant is not expected to have clinical s ignificance because the arginine (Arg) residue at position 463 is not conserved through species, with at least 4 mammals (gorilla, chinchilla, brush-tailed rat and horse) having a glutamin (Gln) at this position. It has been identified in 6 /65582 European chromosomes by the Exome Aggregation Consortium (ExAC; dbSNP rs115260724).

PreventionGenetics, part of Exact Sciences
Classification: Uncertain significance for P2RX2-related condition. Last evaluated: 2024-09-10. Review status: no assertion criteria provided. Collection method: clinical testing. Allele origin: germline. Not counted in ClinVar's aggregate classification.
Comment: The P2RX2 c.1388G>A variant is predicted to result in the amino acid substitution p.Arg463Gln. To our knowledge, this variant has not been reported in the literature. This variant is reported in 0.0094% of alleles in individuals of European (Non-Finnish) descent in gnomAD. At this time, the clinical significance of this variant is uncertain due to the absence of conclusive functional and genetic evidence.